The following is an entry in ClinVar:

NM_002458.3(MUC5B):c.10706C>T (p.Thr3569Met)

Genes: MUC5B (mucin 5B, oligomeric mucus/gel-forming; plus strand), MUC5B-AS1 (MUC5B antisense RNA 1; minus strand). Cytogenetic location: 11p15.5.
Variant type: single nucleotide variant.
Coding change: c.10706C>T on transcript NM_002458.3 (MANE Select); coding-DNA position 10706, C replaced by T.
Protein change: p.Thr3569Met; replaces threonine 3569 with methionine.
Molecular consequence: missense variant.
Genome position (GRCh38, 1-based): chr11:1,247,586, C>T. VCF-style: chr11-1247586-C-T. GRCh37 (hg19) VCF-style: chr11-1268816-C-T.
Other names: short protein forms T3569M.
Identifiers: ClinVar variation 2589671 (VCV002589671.26), dbSNP rs61731823, ClinGen allele CA5807436.

ClinVar aggregate classification (germline): Conflicting classifications of pathogenicity. Review status: criteria provided, conflicting classifications (1 of 4 stars). 2 submissions from 2 submitters: Uncertain significance (1); Likely benign (1). Last evaluated 2025-09-28.

Allele frequency attached by ClinVar (database versions not stated): ExAC 0.00077.

Submissions (2):

Ambry Genetics
Classification: Uncertain significance. Last evaluated: 2025-09-28. Review status: criteria provided, single submitter. Criteria: Ambry Variant Classification Scheme 2023. Collection method: clinical testing. Allele origin: germline.

CeGaT Center for Human Genetics Tuebingen
Classification: Likely benign. Last evaluated: 2023-08-01. Review status: criteria provided, single submitter. Criteria: CeGaT Center For Human Genetics Tuebingen Variant Classification Criteria Version 2. Collection method: clinical testing. Allele origin: germline. Affected: yes. Observed: 1 variant allele.
Comment: MUC5B: BP4